The following is an entry in ClinVar:

ClinVar aggregate classification (germline): Likely pathogenic (1 of 4 stars; one submission).

Submission:

GeneDx
Classification: Likely pathogenic. Last evaluated: 2024-05-29. Review status: criteria provided, single submitter. Criteria: GeneDx Variant Classification Process June 2021. Collection method: clinical testing. Allele origin: germline. Affected: yes.
Comment: Nonsense variant predicted to result in protein truncation, as the last 139 amino acids are lost, and other loss-of-function variants have been reported downstream in HGMD; Not observed at significant frequency in large population cohorts (gnomAD); Has not been previously published as pathogenic or benign to our knowledge

NM_181486.4(TBX5):c.1140T>A (p.Tyr380Ter)

Gene: TBX5 (T-box transcription factor 5; minus strand). Cytogenetic location: 12q24.21.
Variant type: single nucleotide variant.
Coding change: c.1140T>A on transcript NM_181486.4 (MANE Select); coding-DNA position 1140, T replaced by A.
Protein change: p.Tyr380Ter; replaces tyrosine 380 with a stop codon.
Molecular consequence: nonsense.
Genome position (GRCh38, 1-based): chr12:114,355,949, A>T on the plus strand (T>A on the coding strand, the complement: TBX5 is on the minus strand). VCF-style: chr12-114355949-A-T. GRCh37 (hg19) VCF-style: chr12-114793754-A-T.
Other names: c.1140T>A, p.Tyr380Ter (NM_000192.3); c.990T>A, p.Tyr330Ter (NM_080717.4); short protein forms Y330*, Y380*.
Identifiers: ClinVar variation 3383759 (VCV003383759.1).